The following is an entry in ClinVar:

NM_001127178.3(PIGG):c.2618T>C (p.Val873Ala)

Gene: PIGG (phosphatidylinositol glycan anchor biosynthesis class G (EMM blood group); plus strand). Cytogenetic location: 4p16.3.
Variant type: single nucleotide variant.
Coding change: c.2618T>C on transcript NM_001127178.3 (MANE Select); coding-DNA position 2618, T replaced by C.
Protein change: p.Val873Ala; replaces valine 873 with alanine.
Molecular consequence: missense variant. On other transcripts: non-coding transcript variant (10).
Genome position (GRCh38, 1-based): chr4:533,864, T>C. VCF-style: chr4-533864-T-C. GRCh37 (hg19) VCF-style: chr4-527653-T-C.
Other names: c.2351T>C, p.Val784Ala (NM_001289051.2, NM_001345986.2); c.2219T>C, p.Val740Ala (NM_001289052.2); c.2327T>C, p.Val776Ala (NM_001345987.2); c.1589T>C, p.Val530Ala (NM_001345988.2); c.1085T>C, p.Val362Ala (NM_001345990.2, NM_001345991.2); c.1520T>C, p.Val507Ala (NM_001345994.2); c.2594T>C, p.Val865Ala (NM_017733.5); short protein forms V507A, V530A, V740A, V776A, V784A, V865A, V873A, V362A.
Identifiers: ClinVar variation 1004929 (VCV001004929.7), dbSNP rs757434253, ClinGen allele CA2793697.

ClinVar aggregate classification (germline): Uncertain significance (1 of 4 stars; one submission).

Conditions:
Intellectual disability, autosomal recessive 53 (NEDHSCA). Also called: NEURODEVELOPMENTAL DISORDER WITH OR WITHOUT HYPOTONIA, SEIZURES, AND CEREBELLAR ATROPHY; GLYCOSYLPHOSPHATIDYLINOSITOL BIOSYNTHESIS DEFECT 13; Mental retardation, autosomal recessive 53. Identifiers: Orphanet 488635, MedGen C4310794, MONDO:0014832, OMIM 616917.

Allele frequency attached by ClinVar (database versions not stated): gnomAD 0.00001; gnomAD exomes 0.00001 and 0.00004; TOPMed 0.00001; ExAC 0.00007.
gnomAD v4.1: 20 of 1,614,104 alleles (0.0012%); highest among the groups gnomAD compares: Non-Finnish European, 0.0014%; no homozygotes.

Submission:

Labcorp Genetics (formerly Invitae), Labcorp
Classification: Uncertain significance for Intellectual disability, autosomal recessive 53. Last evaluated: 2023-08-04. Review status: criteria provided, single submitter. Criteria: Invitae Variant Classification Sherloc (09022015). Collection method: clinical testing. Allele origin: germline.
Comment: In summary, the available evidence is currently insufficient to determine the role of this variant in disease. Therefore, it has been classified as a Variant of Uncertain Significance. Advanced modeling of protein sequence and biophysical properties (such as structural, functional, and spatial information, amino acid conservation, physicochemical variation, residue mobility, and thermodynamic stability) performed at Invitae indicates that this missense variant is expected to disrupt PIGG protein function. ClinVar contains an entry for this variant (Variation ID: 1004929). This variant has not been reported in the literature in individuals affected with PIGG-related conditions. This variant is present in population databases (rs757434253, gnomAD 0.008%). This sequence change replaces valine, which is neutral and non-polar, with alanine, which is neutral and non-polar, at codon 873 of the PIGG protein (p.Val873Ala).